The following is an entry in ClinVar:

NM_144992.5(VWA3B):c.636G>A (p.Thr212=)

Gene: VWA3B (von Willebrand factor A domain containing 3B; plus strand). Cytogenetic location: 2q11.2.
Variant type: single nucleotide variant.
Coding change: c.636G>A on transcript NM_144992.5 (MANE Select); coding-DNA position 636, G replaced by A.
Protein change: p.Thr212=; no amino-acid change (threonine 212 retained).
Molecular consequence: synonymous variant. On other transcripts: non-coding transcript variant (3).
Genome position (GRCh38, 1-based): chr2:98,121,392, G>A. VCF-style: chr2-98121392-G-A. GRCh37 (hg19) VCF-style: chr2-98737855-G-A.
Identifiers: ClinVar variation 3039505 (VCV003039505.2), dbSNP rs748095985, ClinGen allele CA1792268.
Genomic context (GRCh38, chr2:98,121,392, plus strand): 5'-TGCTACTCCTGTGACCGAACAGTCCATAGCTACTGCCATCAGTTGGGTTGAGAAACTGAC[G>A]GTTGAGCTGACTGTGAGCGAGGCTGGCCGCCTGGATGCTCTGCTGGAAGCCGGGAGAGAC-3'
Protein context (NP_659429.4, residues 202-222): ATAISWVEKL[Thr212=]VELTVSEAGR

ClinVar aggregate classification (germline): Likely benign (0 of 4 stars; one submission).

Conditions:
VWA3B-related disorder. Also called: VWA3B-related condition.

Allele frequency attached by ClinVar (database versions not stated): gnomAD 0.00002; gnomAD exomes 0.00002; TOPMed 0.00004; ExAC 0.00007.
gnomAD v4.1: 30 of 1,614,118 alleles (0.0019%); highest among the groups gnomAD compares: East Asian, 0.047%; 1 homozygote.

Submission:

PreventionGenetics, part of Exact Sciences
Classification: Likely benign for VWA3B-related condition. Last evaluated: 2019-05-23. Review status: no assertion criteria provided. Collection method: clinical testing. Allele origin: germline.
Comment: This variant is classified as likely benign based on ACMG/AMP sequence variant interpretation guidelines (Richards et al. 2015 PMID: 25741868, with internal and published modifications).